The following is an entry in ClinVar:

ClinVar aggregate classification (germline): Benign/Likely benign. Review status: criteria provided, multiple submitters, no conflicts (2 of 4 stars). 4 submissions from 4 submitters: Benign (3); Likely benign (1). Last evaluated 2026-02-03.

Conditions:
Progressive sclerosing poliodystrophy (MTDPS4A). Also called: Alpers Syndrome; Mitochondrial DNA depletion syndrome 4A (Alpers type); Alpers-Huttenlocher Syndrome (AHS); ALPERS PROGRESSIVE INFANTILE POLIODYSTROPHY; Mitochondrial DNA Depletion Syndrome 4A; NEURONAL DEGENERATION OF CHILDHOOD WITH LIVER DISEASE, PROGRESSIVE. Identifiers: Orphanet 726, MedGen C0205710, MONDO:0008758, OMIM 203700.

Allele frequency attached by ClinVar (database versions not stated): gnomAD exomes 0.00097; ExAC 0.00123; ESP Exome Variant Server 0.00300; gnomAD 0.00368 and 0.00390; 1000 Genomes Project 30x 0.00406; 1000 Genomes Project 0.00419; TOPMed 0.00419.
gnomAD v4.1: 1,153 of 1,614,136 alleles (0.071%); highest among the groups gnomAD compares: African/African-American, 1.4%; 11 homozygotes.

Submissions (4):

Labcorp Genetics (formerly Invitae), Labcorp
Classification: Benign for Progressive sclerosing poliodystrophy. Last evaluated: 2026-02-03. Review status: criteria provided, single submitter. Criteria: Invitae Variant Classification Sherloc (09022015). Collection method: clinical testing. Allele origin: germline.

Blueprint Genetics
Classification: Likely benign. Last evaluated: 2024-11-06. Review status: criteria provided, single submitter. Criteria: ACMG Guidelines, 2015. Collection method: clinical testing. Allele origin: germline.

Wong Mito Lab, Molecular and Human Genetics, Baylor College of Medicine
Classification: Benign for Progressive sclerosing poliodystrophy. Last evaluated: 2018-10-01. Review status: criteria provided, single submitter. Criteria: ACMG Guidelines, 2015. Collection method: clinical testing. Allele origin: germline.
Comment: The NM_002693.2:c.2735-15C>T (NP_002684.1:p.=) [GRCH38: NC_000015.10:g.89321027G>A] variant in POLG gene is interpretated to be a Benign based on ACMG guidelines (PMID: 25741868). This variant meets the following evidence codes reported in the ACMG-guideline. BS1:The minor allele frequency of this allele is high for Mitochondrial DNA depletion syndrome 4A (Alpers type). BS2:Observation of the variant in controls is inconsistent with penetrance of Mitochondrial DNA depletion syndrome 4A (Alpers type). BP4:Computational evidence/predictors indicate no impact on the POLG structure, function, or protein-protein interaction. Based on the evidence criteria codes applied, the variant is suggested to be Benign.

GeneDx
Classification: Benign. Last evaluated: 2013-09-09. Review status: criteria provided, single submitter. Criteria: GeneDx Variant Classification (06012015). Collection method: clinical testing. Allele origin: germline. Affected: yes.
Comment: This variant is considered likely benign or benign based on one or more of the following criteria: it is a conservative change, it occurs at a poorly conserved position in the protein, it is predicted to be benign by multiple in silico algorithms, and/or has population frequency not consistent with disease.

NM_002693.3(POLG):c.2735-15C>T

Gene: POLG (DNA polymerase gamma, catalytic subunit; minus strand). Cytogenetic location: 15q26.1.
Variant type: single nucleotide variant.
Coding change: c.2735-15C>T on transcript NM_002693.3 (MANE Select); 15 bases into the intron before coding-DNA position 2735, C replaced by T.
Molecular consequence: intron variant.
Genome position (GRCh38, 1-based): chr15:89,321,027, G>A on the plus strand (C>T on the coding strand, the complement: POLG is on the minus strand). VCF-style: chr15-89321027-G-A. GRCh37 (hg19) VCF-style: chr15-89864258-G-A.
Other names: c.2735-15C>T (NM_001126131.2).
Identifiers: ClinVar variation 138751 (VCV000138751.11), dbSNP rs41544115, ClinGen allele CA292836.
Genomic context (GRCh38, chr15:89,321,027, plus strand): 5'-CTGCTCTTCCTGCCCTGCAGTGTCATCCACCCAAAGGCTGTGCAGCCTGGAAGACAAGCA[G>A]GAGTGAGAAAAGCAGCTCAGGAACATTCTGCCCAATGTTCATCAGAACTGTCAATATGCT-3'